The following is an entry in ClinVar:

ClinVar aggregate classification (germline): Uncertain significance. Review status: criteria provided, multiple submitters, no conflicts (2 of 4 stars). 2 submissions from 2 submitters: Uncertain significance (2). Last evaluated 2024-09-28.

Conditions:
Inborn genetic diseases. Identifiers: MedGen C0950123, MeSH D030342.
Fetal akinesia deformation sequence 1 (FADS1). Also called: Pena-Shokeir syndrome type I; Fetal akinesia sequence. Identifiers: Orphanet 994, MedGen C1276035, MONDO:0100101, OMIM 208150, HP:0001989.
Congenital myasthenic syndrome 10. Also called: Myasthenia, limb-girdle, familial. Identifiers: Orphanet 590, MedGen C1850792, MONDO:0009690, OMIM 254300.

Submissions (2):

Labcorp Genetics (formerly Invitae), Labcorp
Classification: Uncertain significance for Congenital myasthenic syndrome 10; Fetal akinesia deformation sequence 1. Last evaluated: 2024-09-28. Review status: criteria provided, single submitter. Criteria: Invitae Variant Classification Sherloc (09022015). Collection method: clinical testing. Allele origin: germline.
Comment: This sequence change replaces alanine, which is neutral and non-polar, with glutamic acid, which is acidic and polar, at codon 482 of the DOK7 protein (p.Ala482Glu). The frequency data for this variant in the population databases is considered unreliable, as metrics indicate poor data quality at this position in the gnomAD database. This variant has not been reported in the literature in individuals affected with DOK7-related conditions. ClinVar contains an entry for this variant (Variation ID: 665659). An algorithm developed to predict the effect of missense changes on protein structure and function (PolyPhen-2) suggests that this variant¬¨‚Ä†is likely to be tolerated. In summary, the available evidence is currently insufficient to determine the role of this variant in disease. Therefore, it has been classified as a Variant of Uncertain Significance.

Ambry Genetics
Classification: Uncertain significance for Inborn genetic diseases. Last evaluated: 2024-06-07. Review status: criteria provided, single submitter. Criteria: Ambry Variant Classification Scheme 2023. Collection method: clinical testing. Allele origin: germline.

NM_173660.5(DOK7):c.1445C>A (p.Ala482Glu)

Gene: DOK7 (docking protein 7; plus strand). Cytogenetic location: 4p16.3.
Variant type: single nucleotide variant.
Coding change: c.1445C>A on transcript NM_173660.5 (MANE Select); coding-DNA position 1445, C replaced by A.
Protein change: p.Ala482Glu; replaces alanine 482 with glutamic acid.
Molecular consequence: missense variant. On other transcripts: 3 prime UTR variant (1).
Genome position (GRCh38, 1-based): chr4:3,493,431, C>A. VCF-style: chr4-3493431-C-A. GRCh37 (hg19) VCF-style: chr4-3495158-C-A.
Other names: c.*666C>A (NM_001164673.2); c.515C>A, p.Ala172Glu (NM_001256896.2); c.1445C>A, p.Ala482Glu (NM_001301071.2); c.1013C>A, p.Ala338Glu (NM_001363811.2); short protein forms A172E, A338E, A482E.
Identifiers: ClinVar variation 665659 (VCV000665659.9), dbSNP rs767980190, ClinGen allele CA356117980.
Genomic context (GRCh38, chr4:3,493,431, plus strand): 5'-GCGAGGCCACACTGCCTGGCCCTGCCCCTGGCGAGCCCTGGGAAGCAGGCGGCCCCCACG[C>A]GGGGCCACCCCCGGCTTTCTTTTCGGCATGTCCAGTCTGTGGAGGACTCAAGGTAAACCC-3'
Protein context (NP_775931.3, residues 472-492): GEPWEAGGPH[Ala482Glu]GPPPAFFSAC